The following is an entry in ClinVar:

NM_006364.4(SEC23A):c.2242A>G (p.Ser748Gly)

Gene: SEC23A (SEC23 homolog A, COPII coat complex component; minus strand). Cytogenetic location: 14q21.1.
Variant type: single nucleotide variant.
Coding change: c.2242A>G on transcript NM_006364.4 (MANE Select); coding-DNA position 2242, A replaced by G.
Protein change: p.Ser748Gly; replaces serine 748 with glycine.
Molecular consequence: missense variant.
Genome position (GRCh38, 1-based): chr14:39,033,295, T>C on the plus strand (A>G on the coding strand, the complement: SEC23A is on the minus strand). VCF-style: chr14-39033295-T-C. GRCh37 (hg19) VCF-style: chr14-39502499-T-C.
Other names: short protein forms S748G.
Identifiers: ClinVar variation 3349766 (VCV003349766.1).
Genomic context (GRCh38, chr14:39,033,295, plus strand): 5'-CACTTCAAGCAGCACTGGACACAGCAAGTTTCTTCAAGTGATCCATAAACACTTGTAAAC[T>C]AACATCATCTGTAAGAATAGGTGCTCCAGACTCCTAGAGGAAAAAAGATATTTGTTATGA-3'
Protein context (NP_006355.2, residues 738-758): SGAPILTDDV[Ser748Gly]LQVFMDHLKK

ClinVar aggregate classification (germline): Uncertain significance (0 of 4 stars; one submission).

Conditions:
SEC23A-related disorder. Also called: SEC23A-related condition.

gnomAD v4.1: 1 of 1,612,924 alleles (0.000062%); highest among the groups gnomAD compares: Non-Finnish European, 0.000085%; no homozygotes.

Submission:

PreventionGenetics, part of Exact Sciences
Classification: Uncertain significance for SEC23A-related condition. Last evaluated: 2024-05-02. Review status: no assertion criteria provided. Collection method: clinical testing. Allele origin: germline.
Comment: The SEC23A c.2242A>G variant is predicted to result in the amino acid substitution p.Ser748Gly. To our knowledge, this variant has not been reported in the literature or in a large population database, indicating this variant is rare. At this time, the clinical significance of this variant is uncertain due to the absence of conclusive functional and genetic evidence.